The following is an entry in ClinVar:

NM_001040108.2(MLH3):c.1181G>T (p.Cys394Phe)

Gene: MLH3 (mutL homolog 3; minus strand). Cytogenetic location: 14q24.3.
Variant type: single nucleotide variant.
Coding change: c.1181G>T on transcript NM_001040108.2 (MANE Select); coding-DNA position 1181, G replaced by T.
Protein change: p.Cys394Phe; replaces cysteine 394 with phenylalanine.
Molecular consequence: missense variant.
Genome position (GRCh38, 1-based): chr14:75,048,475, C>A on the plus strand (G>T on the coding strand, the complement: MLH3 is on the minus strand). VCF-style: chr14-75048475-C-A. GRCh37 (hg19) VCF-style: chr14-75515178-C-A.
Other names: c.1181G>T, p.Cys394Phe (NM_014381.3); short protein forms C394F.
Identifiers: ClinVar variation 1742361 (VCV001742361.2), dbSNP rs1892424087, ClinGen allele CA390447101.

ClinVar aggregate classification (germline): Uncertain significance (1 of 4 stars; one submission).

Submission:

Ambry Genetics
Classification: Uncertain significance. Last evaluated: 2021-12-30. Review status: criteria provided, single submitter. Criteria: Ambry Variant Classification Scheme 2023. Collection method: clinical testing. Allele origin: germline.
Comment: The p.C394F variant (also known as c.1181G>T), located in coding exon 1 of the MLH3 gene, results from a G to T substitution at nucleotide position 1181. The cysteine at codon 394 is replaced by phenylalanine, an amino acid with highly dissimilar properties. This amino acid position is conserved. In addition, the in silico prediction for this alteration is inconclusive. Since supporting evidence is limited at this time, the clinical significance of this alteration remains unclear.